The following is an entry in ClinVar:

NM_001130004.2(ACTN1):c.2305G>A (p.Glu769Lys)

Gene: ACTN1 (actinin alpha 1; minus strand). Cytogenetic location: 14q24.1.
Variant type: single nucleotide variant.
Coding change: c.2305G>A on transcript NM_001130004.2 (MANE Select); coding-DNA position 2305, G replaced by A.
Protein change: p.Glu769Lys; replaces glutamic acid 769 with lysine.
Molecular consequence: missense variant. On other transcripts: intron variant (8).
Genome position (GRCh38, 1-based): chr14:68,879,045, C>T on the plus strand (G>A on the coding strand, the complement: ACTN1 is on the minus strand). VCF-style: chr14-68879045-C-T. GRCh37 (hg19) VCF-style: chr14-69345762-C-T.
Other names: c.2305G>A, p.Glu769Lys (NM_001102.4, NM_001424012.1); c.2110G>A, p.Glu704Lys (NM_001411036.1, NM_001424026.1); c.2431G>A, p.Glu811Lys (NM_001424013.1); c.2392G>A, p.Glu798Lys (NM_001424015.1); c.2329G>A, p.Glu777Lys (NM_001424016.1); c.2302G>A, p.Glu768Lys (NM_001424017.1); c.2266G>A, p.Glu756Lys (NM_001424018.1); c.2122G>A, p.Glu708Lys (NM_001424019.1, NM_001424024.1, NM_001424025.1); and 10 more; short protein forms E494K, E746K, E768K, E748K, E756K, E777K, E798K, E811K.
Identifiers: ClinVar variation 2736122 (VCV002736122.4), dbSNP rs1258108178, ClinGen allele CA390181460.
Genomic context (GRCh38, chr14:68,879,045, plus strand): 5'-GTACCTGGGGGTCGTTGCCAATATCATAACCCAAGCTGATGAGGCAGGCTTTGAACTCCT[C>T]GGGACCCAGTGTGCCGGAGTGATCCTGGGGCCGCGGTGCGCCAGGCAGCGAGCCATGCGG-3'
Protein context (NP_001123476.1, residues 759-779): DRDHSGTLGP[Glu769Lys]EFKACLISLG

ClinVar aggregate classification (germline): Conflicting classifications of pathogenicity. Review status: criteria provided, conflicting classifications (1 of 4 stars). 2 submissions from 2 submitters: Likely pathogenic (1); Uncertain significance (1). Last evaluated 2025-01-13.

Conditions:
ACTN1-related disorder. Also called: ACTN1-related condition.

Allele frequency attached by ClinVar (database versions not stated): gnomAD exomes below 0.00001; TOPMed below 0.00001; gnomAD 0.00001.
gnomAD v4.1: 4 of 1,612,604 alleles (0.00025%); highest among the groups gnomAD compares: African/African-American, 0.0013%; no homozygotes.

Submissions (2):

Labcorp Genetics (formerly Invitae), Labcorp
Classification: Uncertain significance. Last evaluated: 2025-01-13. Review status: criteria provided, single submitter. Criteria: Invitae Variant Classification Sherloc (09022015). Collection method: clinical testing. Allele origin: germline.
Comment: This sequence change replaces glutamic acid, which is acidic and polar, with lysine, which is basic and polar, at codon 769 of the ACTN1 protein (p.Glu769Lys). This variant is present in population databases (no rsID available, gnomAD 0.03%). This missense change has been observed in individual(s) with thrombocytopenia (PMID: 25361813). It has also been observed to segregate with disease in related individuals. ClinVar contains an entry for this variant (Variation ID: 2736122). An algorithm developed to predict the effect of missense changes on protein structure and function (PolyPhen-2) suggests that this variant is likely to be tolerated. Experimental studies have shown that this missense change affects ACTN1 function (PMID: 25361813, 31365757). In summary, the available evidence is currently insufficient to determine the role of this variant in disease. Therefore, it has been classified as a Variant of Uncertain Significance.

Blueprint Genetics
Classification: Likely pathogenic for ACTN1-related disorders. Last evaluated: 2024-05-08. Review status: criteria provided, single submitter. Criteria: ACMG Guidelines, 2015. Collection method: clinical testing. Allele origin: germline. Affected: yes. Observed: 1 variant allele.

Literature cited by the submitters: PubMed 25361813 (cited by Labcorp Genetics (formerly Invitae), Labcorp); PubMed 31365757 (cited by Labcorp Genetics (formerly Invitae), Labcorp).